The following is an entry in ClinVar:

NM_004733.4(SLC33A1):c.1350C>G (p.Thr450=)

Gene: SLC33A1 (solute carrier family 33 member 1; minus strand). Cytogenetic location: 3q25.31.
Variant type: single nucleotide variant.
Coding change: c.1350C>G on transcript NM_004733.4 (MANE Select); coding-DNA position 1350, C replaced by G.
Protein change: p.Thr450=; no amino-acid change (threonine 450 retained).
Molecular consequence: synonymous variant.
Genome position (GRCh38, 1-based): chr3:155,829,820, G>C on the plus strand (C>G on the coding strand, the complement: SLC33A1 is on the minus strand). VCF-style: chr3-155829820-G-C. GRCh37 (hg19) VCF-style: chr3-155547609-G-C.
Other names: c.1350C>G, p.Thr450= (NM_001190992.2); c.1044C>G, p.Thr348= (NM_001363883.1).
Identifiers: ClinVar variation 4281184 (VCV004281184.7).

ClinVar aggregate classification (germline): Likely benign (1 of 4 stars; one submission).

gnomAD v4.1: 40 of 1,613,548 alleles (0.0025%); highest among the groups gnomAD compares: Non-Finnish European, 0.0033%; no homozygotes.

Submission:

CeGaT Center for Human Genetics Tuebingen
Classification: Likely benign. Last evaluated: 2025-09-01. Review status: criteria provided, single submitter. Criteria: CeGaT Center For Human Genetics Tuebingen Variant Classification Criteria Version 2. Collection method: clinical testing. Allele origin: germline. Affected: yes. Observed: 1 variant allele.
Comment: SLC33A1: BP4, BP7